The following is an entry in ClinVar:

NM_005035.4(POLRMT):c.2052G>A (p.Leu684=)

Gene: POLRMT (RNA polymerase mitochondrial; minus strand). Cytogenetic location: 19p13.3.
Variant type: single nucleotide variant.
Coding change: c.2052G>A on transcript NM_005035.4 (MANE Select); coding-DNA position 2052, G replaced by A.
Protein change: p.Leu684=; no amino-acid change (leucine 684 retained).
Molecular consequence: synonymous variant. On other transcripts: non-coding transcript variant (1).
Genome position (GRCh38, 1-based): chr19:621,646, C>T on the plus strand (G>A on the coding strand, the complement: POLRMT is on the minus strand). VCF-style: chr19-621646-C-T. GRCh37 (hg19) VCF-style: chr19-621646-C-T.
Other names: c.1728G>A, p.Leu576= (NM_001407831.1, NM_001407833.1, NM_001407835.1 and 1 more transcripts); c.1827G>A, p.Leu609= (NM_001407832.1, NM_001407830.1); c.1719G>A, p.Leu573= (NM_001407834.1); c.2043G>A, p.Leu681= (NM_001407809.1, NM_001407806.1); c.2040G>A, p.Leu680= (NM_001407810.1, NM_001407807.1); c.2010G>A, p.Leu670= (NM_001407811.1, NM_001407813.1); c.2052G>A, p.Leu684= (NM_001407812.1, NM_001407814.1, NM_001407815.1 and 4 more transcripts).
Identifiers: ClinVar variation 2648859 (VCV002648859.25), dbSNP rs370751400, ClinGen allele CA9020039.
Genomic context (GRCh38, chr19:621,646, plus strand): 5'-GTTGCCCAGTTGGGTGAGGGCGTCCAGTGCGCCATGCAGCGCGGTGGGCGGGCAGGTTTC[C>T]AGCAGCTCCTGGTGCTGCGTGGCGCCTTCCACCGTGCGCATCAGCTTGGTGGGGCTGAGC-3'
Protein context (NP_005026.3, residues 674-694): VEGATQHQEL[Leu684=]ETCPPTALHG

ClinVar aggregate classification (germline): Likely benign. Review status: criteria provided, multiple submitters, no conflicts (2 of 4 stars). 2 submissions from 2 submitters: Likely benign (2). Last evaluated 2026-09-01.

Allele frequency attached by ClinVar (database versions not stated): 1000 Genomes Project 30x 0.00016; ESP Exome Variant Server 0.00125; TOPMed 0.00135; gnomAD 0.00139; gnomAD exomes 0.00231; ExAC 0.00819.
gnomAD v4.1: 3,395 of 1,536,492 alleles (0.22%); highest among the groups gnomAD compares: Non-Finnish European, 0.27%; 10 homozygotes.

Submissions (2):

CeGaT Center for Human Genetics Tuebingen
Classification: Likely benign. Last evaluated: 2026-09-01. Review status: criteria provided, single submitter. Criteria: CeGaT Center For Human Genetics Tuebingen Variant Classification Criteria Version 2. Collection method: clinical testing. Allele origin: germline. Affected: yes. Observed: 6 variant alleles.
Comment: POLRMT: BP4, BP7

Blueprint Genetics
Classification: Likely benign. Last evaluated: 2024-11-20. Review status: criteria provided, single submitter. Criteria: ACMG Guidelines, 2015. Collection method: clinical testing. Allele origin: germline.